The following is an entry in ClinVar:

NM_022552.5(DNMT3A):c.997G>A (p.Asp333Asn)

Gene: DNMT3A (DNA methyltransferase 3 alpha; minus strand). Cytogenetic location: 2p23.3.
Variant type: single nucleotide variant.
Coding change: c.997G>A on transcript NM_022552.5 (MANE Select); coding-DNA position 997, G replaced by A.
Protein change: p.Asp333Asn; replaces aspartic acid 333 with asparagine.
Molecular consequence: missense variant. On other transcripts: non-coding transcript variant (1).
Genome position (GRCh38, 1-based): chr2:25,247,608, C>T on the plus strand (G>A on the coding strand, the complement: DNMT3A is on the minus strand). VCF-style: chr2-25247608-C-T. GRCh37 (hg19) VCF-style: chr2-25470477-C-T.
Other names: c.997G>A, p.Asp333Asn (NM_175629.2); c.541G>A, p.Asp181Asn (NM_001320893.1); c.328G>A, p.Asp110Asn (NM_001375819.1); c.430G>A, p.Asp144Asn (NM_153759.3); short protein forms D333N, D110N, D144N, D181N.
Identifiers: ClinVar variation 801332 (VCV000801332.2), dbSNP rs1573340335, ClinGen allele CA346074557.

ClinVar aggregate classification (germline): Likely pathogenic. Review status: criteria provided, single submitter (1 of 4 stars). 2 submissions from 2 submitters: Likely pathogenic (1). 1 of the submissions does not count toward it. Last evaluated 2023-07-10.

Conditions:
Heyn-Sproul-Jackson syndrome. Also called: MICROCEPHALY, SHORT STATURE, AND IMPAIRED INTELLECTUAL DEVELOPMENT. Identifiers: Orphanet 658595, MedGen C5231475, MONDO:0032882, OMIM 618724.

Submissions (2):

GeneDx
Classification: Likely pathogenic. Last evaluated: 2023-07-10. Review status: criteria provided, single submitter. Criteria: GeneDx Variant Classification Process June 2021. Collection method: clinical testing. Allele origin: germline. Affected: yes.
Comment: Not observed at significant frequency in large population cohorts (gnomAD); In silico analysis supports that this missense variant has a deleterious effect on protein structure/function; This variant is associated with the following publications: (PMID: 30478443, 33986537, 34048432, 37303757)

OMIM
Classification: Pathogenic for HEYN-SPROUL-JACKSON SYNDROME. Last evaluated: 2020-01-02. Review status: no assertion criteria provided. Collection method: literature only. Allele origin: germline. Not counted in ClinVar's aggregate classification.

Literature cited by the submitters: PubMed 30478443 (cited by OMIM).